The following is an entry in ClinVar:

NM_152419.3(HGSNAT):c.557T>A (p.Leu186Ter)

Gene: HGSNAT (heparan-alpha-glucosaminide N-acetyltransferase; plus strand). Cytogenetic location: 8p11.21.
Variant type: single nucleotide variant.
Coding change: c.557T>A on transcript NM_152419.3 (MANE Select); coding-DNA position 557, T replaced by A.
Protein change: p.Leu186Ter; replaces leucine 186 with a stop codon.
Molecular consequence: nonsense. On other transcripts: 5 prime UTR variant (1).
Genome position (GRCh38, 1-based): chr8:43,161,501, T>A. VCF-style: chr8-43161501-T-A. GRCh37 (hg19) VCF-style: chr8-43016644-T-A.
Other names: c.557T>A, p.Leu186Ter (NM_001363227.2, NM_001363228.2); c.-277T>A (NM_001363229.2); short protein forms L186*.
Identifiers: ClinVar variation 2951665 (VCV002951665.3), dbSNP rs2486919454, ClinGen allele CA371115856.

ClinVar aggregate classification (germline): Pathogenic (1 of 4 stars; one submission).

Conditions:
Retinitis pigmentosa 73 (RP73). Identifiers: Orphanet 791, MedGen C4225287, MONDO:0014687, OMIM 616544.
Mucopolysaccharidosis, MPS-III-C (MPS3C). Also called: SANFILIPPO SYNDROME C; MPS III C; Mucopolysaccharidosis type IIIC (Sanfilippo C); MUCOPOLYSACCHARIDOSIS, TYPE IIIC; mucopolysaccharidosis type 3C; MPS IIIC (Sanfilippo Syndrome Type C). Identifiers: Orphanet 581, Orphanet 79271, MedGen C0086649, MONDO:0009657, OMIM 252930.

Submission:

Labcorp Genetics (formerly Invitae), Labcorp
Classification: Pathogenic for Retinitis pigmentosa 73; Mucopolysaccharidosis, MPS-III-C. Last evaluated: 2023-09-06. Review status: criteria provided, single submitter. Criteria: Invitae Variant Classification Sherloc (09022015). Collection method: clinical testing. Allele origin: germline.
Comment: For these reasons, this variant has been classified as Pathogenic. This variant has not been reported in the literature in individuals affected with HGSNAT-related conditions. This variant is not present in population databases (gnomAD no frequency). This sequence change creates a premature translational stop signal (p.Leu186*) in the HGSNAT gene. It is expected to result in an absent or disrupted protein product. Loss-of-function variants in HGSNAT are known to be pathogenic (PMID: 17033958, 19479962).

Literature cited by the submitters: PubMed 17033958; PubMed 19479962.